The following is an entry in ClinVar:

NM_001276270.2(MBD4):c.1515T>C (p.Leu505=)

Gene: MBD4 (methyl-CpG binding domain 4, DNA glycosylase; minus strand). Cytogenetic location: 3q21.3.
Variant type: single nucleotide variant.
Coding change: c.1515T>C on transcript NM_001276270.2 (MANE Select); coding-DNA position 1515, T replaced by C.
Protein change: p.Leu505=; no amino-acid change (leucine 505 retained).
Molecular consequence: synonymous variant.
Genome position (GRCh38, 1-based): chr3:129,433,126, A>G on the plus strand (T>C on the coding strand, the complement: MBD4 is on the minus strand). VCF-style: chr3-129433126-A-G. GRCh37 (hg19) VCF-style: chr3-129151969-A-G.
Other names: c.1533T>C, p.Leu511= (NM_001276271.2, NM_001276272.2, NM_003925.3); c.579T>C, p.Leu193= (NM_001276273.2).
Identifiers: ClinVar variation 4720729 (VCV004720729.2).

ClinVar aggregate classification (germline): Benign/Likely benign. Review status: criteria provided, multiple submitters, no conflicts (2 of 4 stars). 2 submissions from 2 submitters: Benign (1); Likely benign (1). Last evaluated 2026-06-12.

Conditions:
Tumor predisposition syndrome 2 (TPDS2). Also called: MBD4-Related Tumor Predisposition Syndrome; MBD4-associated neoplasia syndrome (MANS); MBD4-ASSOCIATED NEOPLASIA SYNDROME. Identifiers: Orphanet 661526, MedGen C5774186, MONDO:0859267, OMIM 619975.

Submissions (2):

Myriad Genetics, Inc.
Classification: Benign for Tumor predisposition syndrome 2. Last evaluated: 2026-06-12. Review status: criteria provided, single submitter. Criteria: Myriad Autosomal Dominant, Autosomal Recessive and X-Linked Classification Criteria (2023). Collection method: clinical testing. Allele origin: unknown.
Comment: This variant is considered benign. This variant is a silent/synonymous amino acid change and it is not expected to impact splicing.

Labcorp Genetics (formerly Invitae), Labcorp
Classification: Likely benign. Last evaluated: 2025-06-04. Review status: criteria provided, single submitter. Criteria: Invitae Variant Classification Sherloc (09022015). Collection method: clinical testing. Allele origin: germline.